The following is an entry in ClinVar:

NM_000494.4(COL17A1):c.875C>T (p.Thr292Ile)

Gene: COL17A1 (collagen type XVII alpha 1 chain; minus strand). Cytogenetic location: 10q25.1.
Variant type: single nucleotide variant.
Coding change: c.875C>T on transcript NM_000494.4 (MANE Select); coding-DNA position 875, C replaced by T.
Protein change: p.Thr292Ile; replaces threonine 292 with isoleucine.
Molecular consequence: missense variant.
Genome position (GRCh38, 1-based): chr10:104,062,293, G>A on the plus strand (C>T on the coding strand, the complement: COL17A1 is on the minus strand). VCF-style: chr10-104062293-G-A. GRCh37 (hg19) VCF-style: chr10-105822051-G-A.
Other names: short protein forms T292I.
Identifiers: ClinVar variation 4882556 (VCV004882556.2).

ClinVar aggregate classification (germline): Uncertain significance (1 of 4 stars; one submission).

Submission:

Dasa
Classification: Uncertain significance. Last evaluated: 2025-10-29. Review status: criteria provided, single submitter. Criteria: DASA Assertion Criteria. Collection method: clinical testing. Allele origin: germline.
Comment: NM_000494.4(COL17A1):c.875C>T (p.Thr292Ile) is a missense variant that results in the substitution of threonine with isoleucine. This variant is rare in population databases. Computational prediction algorithms are consistent with a benign effect. The currently available literature and clinical evidence are not sufficient to establish a definitive association between this variant and the reported condition. Therefore, this variant is classified as a variant of uncertain significance.